The following is an entry in ClinVar:

NM_000760.4(CSF3R):c.684del (p.Glu228fs)

Gene: CSF3R (colony stimulating factor 3 receptor; minus strand). Cytogenetic location: 1p34.3.
Variant type: Deletion.
Coding change: c.684del on transcript NM_000760.4 (MANE Select); coding-DNA position 684, one base deleted (G; older notation c.684delG).
Protein change: p.Glu228fs; shifts the reading frame from glutamic acid 228.
Molecular consequence: frameshift variant.
Genome position (GRCh38, 1-based): chr1:36,472,676, C deleted on the plus strand (G on the coding strand, the reverse complement: CSF3R is on the minus strand). VCF-style (leftmost placement, unchanged base first): chr1-36472675-GC-G. GRCh37 (hg19) VCF-style: chr1-36938276-GC-G.
Other names: c.684del, p.Glu228fs (NM_156039.3, NM_172313.3); short protein forms E228fs.
Identifiers: ClinVar variation 4993445 (VCV004993445.1).

ClinVar aggregate classification (germline): Likely pathogenic (1 of 4 stars; one submission).

Conditions:
CSF3R-related disorder. Also called: CSF3R-related condition.

Submission:

PreventionGenetics, part of Exact Sciences
Classification: Likely pathogenic for CSF3R-related condition. Last evaluated: 2026-01-06. Review status: criteria provided, single submitter. Criteria: ACMG Guidelines, 2015. Collection method: clinical testing. Allele origin: germline.
Comment: The CSF3R c.684delG variant is predicted to result in a frameshift and premature protein termination (p.Glu228Aspfs*35). To our knowledge, this variant has not been reported in the literature or in a large population database (gnomAD), indicating this variant is rare. Frameshift variants in CSF3R are expected to be pathogenic. This variant is interpreted as likely pathogenic.